The following is an entry in ClinVar:

NM_152468.5(TMC8):c.411G>C (p.Trp137Cys)

Genes: TMC8 (transmembrane channel like 8; plus strand), LOC130061793 (ATAC-STARR-seq lymphoblastoid silent region 9044; plus strand). Cytogenetic location: 17q25.3.
Variant type: single nucleotide variant.
Coding change: c.411G>C on transcript NM_152468.5 (MANE Select); coding-DNA position 411, G replaced by C.
Protein change: p.Trp137Cys; replaces tryptophan 137 with cysteine.
Molecular consequence: missense variant.
Genome position (GRCh38, 1-based): chr17:78,132,471, G>C. VCF-style: chr17-78132471-G-C. GRCh37 (hg19) VCF-style: chr17-76128552-G-C.
Other names: short protein forms W137C.
Identifiers: ClinVar variation 2775644 (VCV002775644.3), dbSNP rs2510756219, ClinGen allele CA401242053.

ClinVar aggregate classification (germline): Uncertain significance (1 of 4 stars; one submission).

Conditions:
Epidermodysplasia verruciformis. Identifiers: Orphanet 302, MedGen C0014522, MONDO:0009176.

Submission:

Labcorp Genetics (formerly Invitae), Labcorp
Classification: Uncertain significance for Epidermodysplasia verruciformis. Last evaluated: 2023-03-13. Review status: criteria provided, single submitter. Criteria: Invitae Variant Classification Sherloc (09022015). Collection method: clinical testing. Allele origin: germline.
Comment: This variant is not present in population databases (gnomAD no frequency). This sequence change replaces tryptophan, which is neutral and slightly polar, with cysteine, which is neutral and slightly polar, at codon 137 of the TMC8 protein (p.Trp137Cys). In summary, the available evidence is currently insufficient to determine the role of this variant in disease. Therefore, it has been classified as a Variant of Uncertain Significance. Advanced modeling of protein sequence and biophysical properties (such as structural, functional, and spatial information, amino acid conservation, physicochemical variation, residue mobility, and thermodynamic stability) performed at Invitae indicates that this missense variant is not expected to disrupt TMC8 protein function. This variant has not been reported in the literature in individuals affected with TMC8-related conditions.